The following is an entry in ClinVar:

NM_004184.4(WARS1):c.903G>A (p.Thr301=)

Gene: WARS1 (tryptophanyl-tRNA synthetase 1; minus strand). Cytogenetic location: 14q32.2.
Variant type: single nucleotide variant.
Coding change: c.903G>A on transcript NM_004184.4 (MANE Select); coding-DNA position 903, G replaced by A.
Protein change: p.Thr301=; no amino-acid change (threonine 301 retained).
Molecular consequence: synonymous variant.
Genome position (GRCh38, 1-based): chr14:100,343,311, C>T on the plus strand (G>A on the coding strand, the complement: WARS1 is on the minus strand). VCF-style: chr14-100343311-C-T. GRCh37 (hg19) VCF-style: chr14-100809648-C-T.
Other names: c.903G>A, p.Thr301= (NM_173701.2); c.780G>A, p.Thr260= (NM_213645.2, NM_213646.2).
Identifiers: ClinVar variation 3770829 (VCV003770829.13).
Genomic context (GRCh38, chr14:100,343,311, plus strand): 5'-AGCCTTGCTTTTCTGCCTGCTGACCTGGTCAATGGCACATGGGATAAGGCACTGGATATC[C>T]GTCCTGTCTCGGAAGATCTGTGGGAATGAGTTGCTGAAGGAGGGAGCAGCCTGGATGGCA-3'
Protein context (NP_004175.2, residues 291-311): NSFPQIFRDR[Thr301=]DIQCLIPCAI

ClinVar aggregate classification (germline): Likely benign (1 of 4 stars; one submission).

gnomAD v4.1: 115 of 1,612,994 alleles (0.0071%); highest among the groups gnomAD compares: Non-Finnish European, 0.0084%; no homozygotes.

Submission:

CeGaT Center for Human Genetics Tuebingen
Classification: Likely benign. Last evaluated: 2025-01-01. Review status: criteria provided, single submitter. Criteria: CeGaT Center For Human Genetics Tuebingen Variant Classification Criteria Version 2. Collection method: clinical testing. Allele origin: germline. Affected: yes. Observed: 1 variant allele.
Comment: WARS1: BP4, BP7